The following is an entry in ClinVar:

ClinVar aggregate classification (germline): Likely pathogenic (1 of 4 stars; one submission).

Conditions:
Alkuraya-Kucinskas syndrome. Identifiers: Orphanet 610569, MedGen C4693347, MONDO:0060631, OMIM 617822.

Submission:

Institute for Genomic Medicine, Nationwide Children's Hospital
Classification: Likely pathogenic for Alkuraya-Kucinskas syndrome. Last evaluated: 2025-07-01. Review status: criteria provided, single submitter. Criteria: ACMG Guidelines, 2015. Collection method: clinical testing. Allele origin: paternal. Inheritance: Autosomal recessive inheritance. Affected: yes. Observed: 2 variant alleles.
Comment: The c.4509T>G variant is predicted to cause a nonsense change (p.Tyr1503Ter) in BLTP1 that would significantly truncate the encoded protein and may be subject to nonsense-mediated decay. It is absent from the gnomAD (v4.1) and All of Us (v6) databases, making it extremely rare in populations. This variant was identified by clinical testing and later found to be compound-heterozygous with a likely pathogenic missense variant in BLTP1. We interpret the c.4509T>G variant as likely pathogenic.

Literature cited by the submitters: PubMed 29290337.

NM_001384125.1(BLTP1):c.4509T>G (p.Tyr1503Ter)

Gene: BLTP1 (bridge-like lipid transfer protein family member 1; plus strand). Cytogenetic location: 4q27.
Variant type: single nucleotide variant.
Coding change: c.4509T>G on transcript NM_001384125.1 (MANE Select); coding-DNA position 4509, T replaced by G.
Protein change: p.Tyr1503Ter; replaces tyrosine 1503 with a stop codon.
Molecular consequence: nonsense.
Genome position (GRCh38, 1-based): chr4:122,240,191, T>G. VCF-style: chr4-122240191-T-G. GRCh37 (hg19) VCF-style: chr4-123161346-T-G.
Other names: c.4509T>G, p.Tyr1503Ter (NM_015312.4); short protein forms Y1503*.
Identifiers: ClinVar variation 3906998 (VCV003906998.1).